The following is an entry in ClinVar:

NM_133379.5(TTN):c.11283G>C (p.Lys3761Asn)

Gene: TTN (titin; minus strand). Cytogenetic location: 2q31.2.
Variant type: single nucleotide variant.
Coding change: c.11283G>C on transcript NM_133379.5; coding-DNA position 11283, G replaced by C.
Protein change: p.Lys3761Asn; replaces lysine 3761 with asparagine.
Molecular consequence: missense variant. On other transcripts: intron variant (6).
Genome position (GRCh38, 1-based): chr2:178,751,117, C>G on the plus strand (G>C on the coding strand, the complement: TTN is on the minus strand). VCF-style: chr2-178751117-C-G. GRCh37 (hg19) VCF-style: chr2-179615844-C-G.
Other names: c.10222+2007G>C (NM_003319.4); c.10798+2007G>C (NM_133437.4); c.10597+2007G>C (NM_133432.3); c.10360+2007G>C (NM_001256850.1, NM_133378.4); c.11311+2007G>C (NM_001267550.2); short protein forms K3761N.
Identifiers: ClinVar variation 178263 (VCV000178263.44), dbSNP rs200816462, ClinGen allele CA181956.

ClinVar aggregate classification (germline): Conflicting classifications of pathogenicity. Review status: criteria provided, conflicting classifications (1 of 4 stars). 6 submissions from 6 submitters: Uncertain significance (2); Likely benign (4). Last evaluated 2025-12-01.

Conditions:
Hypertrophic cardiomyopathy 9. Also called: Familial hypertrophic cardiomyopathy 9. Identifiers: MedGen C1861065, MONDO:0013412, OMIM 613765.
Dilated cardiomyopathy 1G (CMD1G). Identifiers: Orphanet 154, MedGen C1858763, MONDO:0011400, OMIM 604145.
Myopathy, myofibrillar, 9, with early respiratory failure (MFM9). Also called: Hereditary myopathy with early respiratory failure; MYOPATHY, PROXIMAL, WITH EARLY RESPIRATORY MUSCLE INVOLVEMENT; EDSTROM MYOPATHY; Myopathy, distal, with early respiratory failure, autosomal dominant. Identifiers: Orphanet 178464, Orphanet 34521, MedGen C1863599, MONDO:0011362, OMIM 603689.
Autosomal recessive limb-girdle muscular dystrophy type 2J (LGMDR10). Also called: Limb-girdle muscular dystrophy, type 2J; MUSCULAR DYSTROPHY, LIMB-GIRDLE, AUTOSOMAL RECESSIVE 10. Identifiers: Orphanet 140922, MedGen C1837342, MONDO:0012127, OMIM 608807.
Tibial muscular dystrophy (TMD). Also called: UDD MYOPATHY; Tibial muscular dystrophy, tardive; Udd Distal Myopathy – Tibial Muscular Dystrophy. Identifiers: Orphanet 609, MedGen C1838244, MONDO:0010870, OMIM 600334.
Early-onset myopathy with fatal cardiomyopathy (CMYO5). Also called: CONGENITAL MYOPATHY 5 WITH CARDIOMYOPATHY; Salih Myopathy. Identifiers: Orphanet 289377, MedGen C2673677, MONDO:0012714, OMIM 611705. Disease mechanism: loss of function.

Allele frequency attached by ClinVar (database versions not stated): gnomAD 0.00024 and 0.00025; TOPMed 0.00031; ExAC 0.00038; gnomAD exomes 0.00042; ESP Exome Variant Server 0.00054.
gnomAD v4.1: 393 of 1,612,674 alleles (0.024%); highest among the groups gnomAD compares: Middle Eastern, 0.082%; 1 homozygote.

Submissions (6):

CeGaT Center for Human Genetics Tuebingen
Classification: Likely benign. Last evaluated: 2025-12-01. Review status: criteria provided, single submitter. Criteria: CeGaT Center For Human Genetics Tuebingen Variant Classification Criteria Version 2. Collection method: clinical testing. Allele origin: germline. Affected: yes. Observed: 25 variant alleles.
Comment: TTN: BP4, BS2

Blueprint Genetics
Classification: Likely benign. Last evaluated: 2024-08-05. Review status: criteria provided, single submitter. Criteria: ACMG Guidelines, 2015. Collection method: clinical testing. Allele origin: germline.

Department of Pathology and Laboratory Medicine, Sinai Health System
Classification: Uncertain significance for Tibial muscular dystrophy; Myopathy, myofibrillar, 9, with early respiratory failure; Dilated cardiomyopathy 1G; Autosomal recessive limb-girdle muscular dystrophy type 2J; Early-onset myopathy with fatal cardiomyopathy; Hypertrophic cardiomyopathy 9. Last evaluated: 2021-07-30. Review status: criteria provided, single submitter. Criteria: ACMG Guidelines, 2015. Collection method: research. Allele origin: germline.

GeneDx
Classification: Likely benign. Last evaluated: 2019-07-09. Review status: criteria provided, single submitter. Criteria: GeneDx Variant Classification Process June 2021. Collection method: clinical testing. Allele origin: germline. Affected: yes.

Laboratory for Molecular Medicine, Mass General Brigham Personalized Medicine
Classification: Uncertain significance. Last evaluated: 2015-03-05. Review status: criteria provided, single submitter. Criteria: LMM Criteria. Collection method: clinical testing. Allele origin: germline. Observed: 3 variant alleles.
Comment: The p.Lys3761Asn variant in TTN has been identified by our laboratory in 2 Ashke nazi Jewish adults with HCM. It has also been identified in 41/67272 European ch romosomes by the Exome Aggregation Consortium (ExAC. org; dbSNP rs200816462). Computational prediction tools and conservation analysi s are limited or unavailable for this variant. In summary, the clinical signific ance of the p.Lys3761Asn variant is uncertain.

Biesecker Lab/Clinical Genomics Section, National Institutes of Health
Classification: Likely benign. Last evaluated: 2013-06-24. Review status: criteria provided, single submitter. Criteria: Ng et al. (Circ Cardiovasc Genet. 2013). Collection method: research. Allele origin: unknown. Observed: 3 variant alleles. Study: ClinSeq.
Comment: The study set was not selected for affection status in relation to any cancer. Pathogenicity categories were based on literature curation. See Pubmed ID:23861362 for details.

Medical sequencing